The following is an entry in ClinVar:

NM_005529.7(HSPG2):c.4014C>G (p.Ala1338=)

Gene: HSPG2 (heparan sulfate proteoglycan 2; minus strand). Cytogenetic location: 1p36.12.
Variant type: single nucleotide variant.
Coding change: c.4014C>G on transcript NM_005529.7 (MANE Select); coding-DNA position 4014, C replaced by G.
Protein change: p.Ala1338=; no amino-acid change (alanine 1338 retained).
Molecular consequence: synonymous variant.
Genome position (GRCh38, 1-based): chr1:21,872,635, G>C on the plus strand (C>G on the coding strand, the complement: HSPG2 is on the minus strand). VCF-style: chr1-21872635-G-C. GRCh37 (hg19) VCF-style: chr1-22199128-G-C.
Other names: c.4017C>G, p.Ala1339= (NM_001291860.2).
Identifiers: ClinVar variation 1123487 (VCV001123487.13), dbSNP rs373144343, ClinGen allele CA19141829.

ClinVar aggregate classification (germline): Likely benign. Review status: criteria provided, multiple submitters, no conflicts (2 of 4 stars). 2 submissions from 2 submitters: Likely benign (2). Last evaluated 2026-02-01.

gnomAD v4.1: 13 of 1,590,686 alleles (0.00082%); highest among the groups gnomAD compares: Non-Finnish European, 0.0011%; no homozygotes.

Submissions (2):

CeGaT Center for Human Genetics Tuebingen
Classification: Likely benign. Last evaluated: 2026-02-01. Review status: criteria provided, single submitter. Criteria: CeGaT Center For Human Genetics Tuebingen Variant Classification Criteria Version 2. Collection method: clinical testing. Allele origin: germline. Affected: yes. Observed: 1 variant allele.
Comment: HSPG2: BP4, BP7

Labcorp Genetics (formerly Invitae), Labcorp
Classification: Likely benign. Last evaluated: 2022-08-16. Review status: criteria provided, single submitter. Criteria: Invitae Variant Classification Sherloc (09022015). Collection method: clinical testing. Allele origin: germline.